The following is an entry in ClinVar:

ClinVar aggregate classification (germline): Uncertain significance (1 of 4 stars; one submission).

Submission:

CeGaT Center for Human Genetics Tuebingen
Classification: Uncertain significance. Last evaluated: 2024-04-01. Review status: criteria provided, single submitter. Criteria: CeGaT Center For Human Genetics Tuebingen Variant Classification Criteria Version 2. Collection method: clinical testing. Allele origin: germline. Affected: yes. Observed: 1 variant allele.
Comment: NR2F1: PM2, PP2

NM_005654.6(NR2F1):c.460G>A (p.Glu154Lys)

Genes: NR2F1 (nuclear receptor subfamily 2 group F member 1; plus strand), NR2F1-AS1 (NR2F1 regulatory antisense RNA 1; minus strand). Cytogenetic location: 5q15.
Variant type: single nucleotide variant.
Coding change: c.460G>A on transcript NM_005654.6 (MANE Select); coding-DNA position 460, G replaced by A.
Protein change: p.Glu154Lys; replaces glutamic acid 154 with lysine.
Molecular consequence: missense variant. On other transcripts: non-coding transcript variant (8).
Genome position (GRCh38, 1-based): chr5:93,585,483, G>A. VCF-style: chr5-93585483-G-A. GRCh37 (hg19) VCF-style: chr5-92921189-G-A.
Other names: short protein forms E154K.
Identifiers: ClinVar variation 3234253 (VCV003234253.20), dbSNP rs2480802545, ClinGen allele CA360526341.
Genomic context (GRCh38, chr5:93,585,483, plus strand): 5'-CACCGCAACCAGTGCCAATACTGCCGCCTCAAGAAGTGCCTCAAAGTGGGCATGAGGCGG[G>A]AAGGTGAATATTTCTTCTCTGCTTCTCTCCCCGCGCTTCGCCCGCCTCCCTGGCTCTTTC-3'
Protein context (NP_005645.1, residues 144-164): KKCLKVGMRR[Glu154Lys]AVQRGRMPPT